The following is an entry in ClinVar:

NM_024596.5(MCPH1):c.266C>G (p.Ser89Ter)

Gene: MCPH1 (microcephalin 1; plus strand). Cytogenetic location: 8p23.1.
Variant type: single nucleotide variant.
Coding change: c.266C>G on transcript NM_024596.5 (MANE Select); coding-DNA position 266, C replaced by G.
Protein change: p.Ser89Ter; replaces serine 89 with a stop codon.
Molecular consequence: nonsense. On other transcripts: non-coding transcript variant (1).
Genome position (GRCh38, 1-based): chr8:6,431,531, C>G. VCF-style: chr8-6431531-C-G. GRCh37 (hg19) VCF-style: chr8-6289052-C-G.
Other names: c.266C>G, p.Ser89Ter (NM_001172574.2, NM_001172575.2, NM_001322042.2 and 4 more transcripts); c.260C>G, p.Ser87Ter (NM_001322043.2); c.164C>G, p.Ser55Ter (NM_001322045.2); short protein forms S87*, S55*, S89*.
Identifiers: ClinVar variation 3595788 (VCV003595788.2).
Genomic context (GRCh38, chr8:6,431,531, plus strand): 5'-ATTAGACTACCTTAATTTAATTATACAGATGCAGGACAGCTGGAGCACACATTGATGAAT[C>G]ATTGTTCCCTGCAGCTAATATGAATGAACACTTATCAAGCCTAATTAAAAAAAAAGTAAG-3'

ClinVar aggregate classification (germline): Pathogenic/Likely pathogenic. Review status: criteria provided, multiple submitters, no conflicts (2 of 4 stars). 2 submissions from 2 submitters: Pathogenic (1); Likely pathogenic (1). Last evaluated 2026-06-16.

Conditions:
Microcephaly 1, primary, autosomal recessive (MCPH1). Also called: PREMATURE CHROMOSOME CONDENSATION SYNDROME; PCC SYNDROME; PREMATURE CHROMOSOME CONDENSATION WITH MICROCEPHALY AND MENTAL RETARDATION. Identifiers: Orphanet 2512, MedGen C1855081, MONDO:0009617, OMIM 251200.

gnomAD v4.1: 2 of 1,613,386 alleles (0.00012%); highest among the groups gnomAD compares: Non-Finnish European, 0.00017%; no homozygotes.

Submissions (2):

Myriad Genetics, Inc.
Classification: Pathogenic for Microcephaly 1, primary, autosomal recessive. Last evaluated: 2026-06-16. Review status: criteria provided, single submitter. Criteria: Myriad Autosomal Dominant, Autosomal Recessive and X-Linked Classification Criteria (2023). Collection method: clinical testing. Allele origin: unknown.
Comment: NM_024596.3(MCPH1):c.266C>G(S89*) is expected to be pathogenic in the context of primary microcephaly, MCPH1-related. This variant is predicted to lead to an abnormal or absent protein product due to the creation of a premature termination codon in MCPH1, a gene where loss-of-function variants are known to be pathogenic. Please note: this variant was assessed in the context of healthy population screening.

Fulgent Genetics
Classification: Likely pathogenic for Microcephaly 1, primary, autosomal recessive. Last evaluated: 2024-04-17. Review status: criteria provided, single submitter. Criteria: ACMG Guidelines, 2015. Collection method: clinical testing. Allele origin: germline.